The following is an entry in ClinVar:

NM_004563.4(PCK2):c.840A>C (p.Ala280=)

Genes: NRL (neural retina leucine zipper; minus strand), PCK2 (phosphoenolpyruvate carboxykinase 2, mitochondrial; plus strand). Cytogenetic location: 14q11.2.
Variant type: single nucleotide variant.
Coding change: c.840A>C on transcript NM_004563.4 (MANE Select); coding-DNA position 840, A replaced by C.
Protein change: p.Ala280=; no amino-acid change (alanine 280 retained).
Molecular consequence: synonymous variant. On other transcripts: intron variant (3).
Genome position (GRCh38, 1-based): chr14:24,099,224, A>C. VCF-style: chr14-24099224-A-C. GRCh37 (hg19) VCF-style: chr14-24568433-A-C.
Other names: c.840A>C, p.Ala280= (NM_001018073.3); c.438A>C, p.Ala146= (NM_001291556.2, NM_001308054.2); c.-28+15498T>G (NM_001354768.3, NM_001354770.2); c.-253-14479T>G (NM_006177.5).
Identifiers: ClinVar variation 3239199 (VCV003239199.19), dbSNP rs944404119.

ClinVar aggregate classification (germline): Likely benign (1 of 4 stars; one submission).

Submission:

CeGaT Center for Human Genetics Tuebingen
Classification: Likely benign. Last evaluated: 2024-05-01. Review status: criteria provided, single submitter. Criteria: CeGaT Center For Human Genetics Tuebingen Variant Classification Criteria Version 2. Collection method: clinical testing. Allele origin: germline. Affected: yes. Observed: 1 variant allele.
Comment: PCK2: PM2:Supporting, BP4, BP7